The following is an entry in ClinVar:

ClinVar aggregate classification (germline): Likely pathogenic. Review status: criteria provided, multiple submitters, no conflicts (2 of 4 stars). 3 submissions from 3 submitters: Likely pathogenic (2). 1 of the submissions does not count toward it. Last evaluated 2025-09-22.

Conditions:
Aromatase deficiency. Also called: PSEUDOHERMAPHRODITISM, FEMALE, DUE TO PLACENTAL AROMATASE DEFICIENCY; Increased aromatase activity. Identifiers: Orphanet 91, MedGen C1960539, MONDO:0013301, OMIM 613546.

Allele frequency attached by ClinVar (database versions not stated): ExAC 0.00001; gnomAD 0.00001; gnomAD exomes 0.00001; TOPMed 0.00001.
gnomAD v4.1: 13 of 1,609,294 alleles (0.00081%); highest among the groups gnomAD compares: Non-Finnish European, 0.00094%; no homozygotes.

Submissions (3):

Natera, Inc.
Classification: Likely pathogenic for Aromatase deficiency. Last evaluated: 2025-09-22. Review status: criteria provided, single submitter. Criteria: Natera Variant Classification Schema (03/2026). Collection method: clinical testing. Allele origin: germline.
Comment: The c.1123C>T variant in CYP19A1 is a missense variant predicted to cause substitution of arginine to cysteine at amino acid 375. This variant is rare in the general population with a frequency below the threshold expected for the associated phenotype(s). This variant has been observed in one or more individuals affected with the associated recessive disease, as either homozygous or compound heterozygous with a second variant (PMID: 8530621). This variant has been observed to segregate in affected family members (PMID: 8530621). Functional studies show that this variant may disrupt protein function (PMID: 8530621, 32318648). A different variant at the same position has been determined to be Pathogenic or Likely Pathogenic. Computational prediction algorithms indicate this variant is likely to affect gene or protein function. Given the available evidence, this variant is classified as Likely Pathogenic.

First Genomix Gene Laboratory, Genetic Diagnostics Department
Classification: Likely pathogenic for Aromatase deficiency. Last evaluated: 2025-07-14. Review status: criteria provided, single submitter. Criteria: ACMG Guidelines, 2015. Collection method: clinical testing. Allele origin: germline. Inheritance: Autosomal recessive inheritance. Affected: no. Observed: 1 variant allele.

OMIM
Classification: Pathogenic for AROMATASE DEFICIENCY. Last evaluated: 1998-08-27. Review status: no assertion criteria provided. Collection method: literature only. Allele origin: germline. Not counted in ClinVar's aggregate classification.

Literature cited by the submitters: PubMed 8530621 (cited by Natera, Inc. and OMIM); PubMed 32318648 (cited by Natera, Inc.); PubMed 9718379 (cited by OMIM).

NM_000103.4(CYP19A1):c.1123C>T (p.Arg375Cys)

Genes: CYP19A1 (cytochrome P450 family 19 subfamily A member 1; minus strand), MIR4713HG (MIR4713 host gene; plus strand), PIRC66 (piwi-interacting RNA cluster 66; plus strand). Cytogenetic location: 15q21.2.
Variant type: single nucleotide variant.
Coding change: c.1123C>T on transcript NM_000103.4 (MANE Select); coding-DNA position 1123, C replaced by T.
Protein change: p.Arg375Cys; replaces arginine 375 with cysteine.
Molecular consequence: missense variant.
Genome position (GRCh38, 1-based): chr15:51,212,460, G>A on the plus strand (C>T on the coding strand, the complement: CYP19A1 is on the minus strand). VCF-style: chr15-51212460-G-A. GRCh37 (hg19) VCF-style: chr15-51504657-G-A.
Other names: c.1123C>T, p.Arg375Cys (NM_001347248.1, NM_001347249.2, NM_001347250.2 and 7 more transcripts); c.1123C>T (NM_031226.2); short protein forms R375C.
Identifiers: ClinVar variation 17818 (VCV000017818.3), dbSNP rs121434536, ClinGen allele CA127458.
Genomic context (GRCh38, chr15:51,212,460, plus strand): 5'-TAATGTTTGTCCCCTTTTTCACTGGGTAGCCATCGATTACATCATCTTCTAAGGCTTTGC[G>A]CATGACCAAGTCCACGACAGGCTGGTACCGCATGCTCTCATAAATGAAGTTTTCCATCAC-3'
Protein context (NP_000094.2, residues 365-385): RYQPVVDLVM[Arg375Cys]KALEDDVIDG